The following is an entry in ClinVar:

ClinVar aggregate classification (germline): Conflicting classifications of pathogenicity. Review status: criteria provided, conflicting classifications (1 of 4 stars). 13 submissions from 13 submitters: Uncertain significance (9); Benign (1); Likely benign (2). 1 of the submissions does not count toward it. Last evaluated 2025-12-24.

Conditions:
Hereditary cancer-predisposing syndrome. Also called: Tumor predisposition; Neoplastic Syndromes, Hereditary; Hereditary neoplastic syndrome; Hereditary Cancer Syndrome. Identifiers: Orphanet 140162, MedGen C0027672, MeSH D009386, MONDO:0015356.
Carcinoma of pancreas. Also called: PANCREATIC ACINAR CARCINOMA; PANCREATIC CARCINOMA; Exocrine pancreatic carcinoma; Pancreatic cancer, somatic; Pancreatic carcinoma, somatic. Identifiers: Orphanet 1333, Orphanet 217074, MedGen C0235974, MONDO:0005192. Disease mechanism: loss of function.
Peutz-Jeghers syndrome (PJS). Also called: POLYPOSIS, HAMARTOMATOUS INTESTINAL; POLYPS-AND-SPOTS SYNDROME; Peutz-Jeghers polyposis; Periorificial lentiginosis syndrome. Identifiers: Orphanet 2869, MedGen C0031269, MeSH D010580, MONDO:0008280, OMIM 175200.
Generalized juvenile polyposis/juvenile polyposis coli. Also called: Juvenile polyposis coli. Identifiers: Orphanet 329971, MedGen C1868081, MONDO:0008276.

Allele frequency attached by ClinVar (database versions not stated): gnomAD 0.00001; gnomAD exomes 0.00001; TOPMed 0.00001; ExAC 0.00002.
gnomAD v4.1: 8 of 1,611,102 alleles (0.0005%); highest among the groups gnomAD compares: African/African-American, 0.0013%; no homozygotes.

Submissions (13):

Labcorp Genetics (formerly Invitae), Labcorp
Classification: Benign for Peutz-Jeghers syndrome. Last evaluated: 2025-12-24. Review status: criteria provided, single submitter. Criteria: Invitae Variant Classification Sherloc (09022015). Collection method: clinical testing. Allele origin: germline.

Ambry Genetics
Classification: Likely benign for Hereditary cancer-predisposing syndrome. Last evaluated: 2025-10-10. Review status: criteria provided, single submitter. Criteria: Ambry Variant Classification Scheme 2023. Collection method: clinical testing. Allele origin: germline.

Color Diagnostics, LLC DBA Color Health
Classification: Uncertain significance for Hereditary cancer-predisposing syndrome. Last evaluated: 2025-06-13. Review status: criteria provided, single submitter. Criteria: ACMG Guidelines, 2015. Collection method: clinical testing. Allele origin: germline.
Comment: This missense variant replaces arginine with histidine at codon 383 of the STK11 protein. Computational prediction suggests that this variant may not impact protein structure and function. To our knowledge, functional studies have not been reported for this variant. This variant has been reported in individuals affected with breast cancer (PMID: 25186627, 32068069). This variant has not been identified in the general population by the Genome Aggregation Database (gnomAD). The available evidence is insufficient to determine the role of this variant in disease conclusively. Therefore, this variant is classified as a Variant of Uncertain Significance.

Blueprint Genetics
Classification: Likely benign. Last evaluated: 2024-07-16. Review status: criteria provided, single submitter. Criteria: ACMG Guidelines, 2015. Collection method: clinical testing. Allele origin: germline.

All of Us Research Program, National Institutes of Health
Classification: Uncertain significance for Peutz-Jeghers syndrome. Last evaluated: 2023-10-30. Review status: criteria provided, single submitter. Criteria: ACMG Guidelines, 2015. Collection method: clinical testing. Allele origin: germline. Inheritance: Autosomal dominant inheritance. Observed: 3 variant alleles, 3 heterozygotes.
Comment: This missense variant replaces arginine with histidine at codon 383 of the STK11 protein. Computational prediction suggests that this variant may not impact protein structure and function (internally defined REVEL score threshold <= 0.5, PMID: 27666373). To our knowledge, functional studies have not been reported for this variant. This variant has been reported in individuals affected with breast cancer (PMID: 25186627, 32068069). This variant has not been identified in the general population by the Genome Aggregation Database (gnomAD). The available evidence is insufficient to determine the role of this variant in disease conclusively. Therefore, this variant is classified as a Variant of Uncertain Significance.

This study involves interpretation of variants in research participants for the purpose of population health screening. Participant phenotype was not available at the time of variant classification. Additional details can be found in publication PMID: 35346344, PMCID: PMC8962531

GeneDx
Classification: Uncertain significance. Last evaluated: 2022-11-23. Review status: criteria provided, single submitter. Criteria: GeneDx Variant Classification Process June 2021. Collection method: clinical testing. Allele origin: germline. Affected: yes.
Comment: Not observed at significant frequency in large population cohorts (gnomAD); In silico analysis supports that this missense variant does not alter protein structure/function; Observed in individuals with breast cancer (Tung et al., 2015; Kwong et al., 2020); This variant is associated with the following publications: (PMID: 25186627, 31159747, 28900777, 32068069)

Mendelics
Classification: Uncertain significance. Last evaluated: 2022-05-04. Review status: criteria provided, single submitter. Criteria: Mendelics Assertion Criteria 2019. Collection method: clinical testing. Allele origin: germline.

Sema4
Classification: Uncertain significance for Hereditary cancer-predisposing syndrome. Last evaluated: 2022-02-26. Review status: criteria provided, single submitter. Criteria: Sema4 Curation Guidelines. Collection method: curation. Allele origin: germline.
Comment: The STK11 c.1148G>A (p.R383H) variant has been reported in heterozygosity in at least 4 individuals with breast cancer (PMID: 31159747, 25186627, 32068069). It was observed in 1/107886 chromosomes of the Non-Finnish European subpopulation in the large and broad cohorts of the Genome Aggregation Database (PMID: 32461654). This variant has been reported in ClinVar (Variation ID 182918). In silico tools suggest the impact of the variant on protein function is benign, though these predictions have not been confirmed by functional studies. The evidence is insufficient to meet ACMG/AMP criteria for classifying the variant as benign or pathogenic. Thus, the clinical significance of this variant is currently uncertain.

Women's Health and Genetics/Laboratory Corporation of America, LabCorp
Classification: Uncertain significance. Last evaluated: 2021-12-13. Review status: criteria provided, single submitter. Criteria: LabCorp Variant Classification Summary - May 2015. Collection method: clinical testing. Allele origin: germline.
Comment: Variant summary: STK11 c.1148G>A (p.Arg383His) results in a non-conservative amino acid change in the encoded protein sequence. Four of five in-silico tools predict a benign effect of the variant on protein function. The variant allele was found at a frequency of 4.1e-06 in 241364 control chromosomes (gnomAD). The available data on variant occurrences in the general population are insufficient to allow any conclusion about variant significance. c.1148G>A has been reported in the literature in individuals affected with breast cancer without evidence for causality or individuals undergoing multigene panel testing for hereditary cancer (examples: Tung_2015, Tsaousis_2019, and Kwong_2020). These reports do not provide unequivocal conclusions about association of the variant with Peutz-Jeghers Syndrome. To our knowledge, no experimental evidence demonstrating an impact on protein function has been reported. Six clinical diagnostic laboratories have submitted clinical-significance assessments for this variant to ClinVar after 2014 and all classified the variant as uncertain significance. Based on the evidence outlined above, the variant was classified as uncertain significance.

Genome-Nilou Lab
Classification: Uncertain significance for Peutz-Jeghers syndrome. Last evaluated: 2021-07-15. Review status: criteria provided, single submitter. Criteria: ACMG Guidelines, 2015. Collection method: clinical testing. Allele origin: germline. Affected: no.

Centre for Mendelian Genomics, University Medical Centre Ljubljana
Classification: Uncertain significance for Familial pancreatic carcinoma. Last evaluated: 2018-11-08. Review status: criteria provided, single submitter. Criteria: ACMG Guidelines, 2015. Collection method: clinical testing. Allele origin: unknown. Affected: yes.
Comment: This variant was classified as: Uncertain significance. The available evidence on this variant's pathogenicity is insufficient or conflicting. The following ACMG criteria were applied in classifying this variant: No criteria apply.

GeneKor MSA
Classification: Uncertain significance for Hereditary cancer-predisposing syndrome. Last evaluated: 2018-08-01. Review status: criteria provided, single submitter. Criteria: ACMG Guidelines, 2015. Collection method: clinical testing. Allele origin: germline. Affected: yes.

Department of Pathology and Laboratory Medicine, Sinai Health System
Classification: Uncertain significance for Generalized juvenile polyposis/juvenile polyposis coli. Review status: no assertion criteria provided. Collection method: clinical testing. Allele origin: unknown. Affected: yes. Study: The Canadian Open Genetics Repository (COGR). Not counted in ClinVar's aggregate classification.
Comment: The STK11 p.Arg383His variant was not identified in the literature nor was it identified in the LOVD 3.0 database. The variant was identified in the following databases: dbSNP (ID: rs730881990) as "With Uncertain significance allele" and in ClinVar (classified as uncertain significance by Invitae, GeneDx, Ambry Genetics and three other submitters). The variant was identified in 1 of 239140 chromosomes at a frequency of 0.000004 (Genome Aggregation Database Feb 27, 2017). The variant was observed in the European population in 1 of 107144 chromosomes (freq: 0.000009), but not in the African, Other, Latino, Ashkenazi Jewish, East Asian, Finnish, or South Asian populations. The p.Arg383 residue is not conserved in mammals and computational analyses (PolyPhen-2, SIFT, AlignGVGD, BLOSUM, MutationTaster) do not suggest a high likelihood of impact to the protein; however, this information is not predictive enough to rule out pathogenicity. The variant occurs outside of the splicing consensus sequence and in silico or computational prediction software programs (SpliceSiteFinder, MaxEntScan, NNSPLICE, GeneSplicer) do not predict a difference in splicing. In summary, based on the above information, the clinical significance of this variant cannot be determined with certainty at this time. This variant is classified as a variant of uncertain significance.

Literature cited by the submitters: PubMed 25186627 (cited by 5 submitters); PubMed 31159747 (cited by 3 submitters); PubMed 32068069 (cited by 4 submitters).

NM_000455.5(STK11):c.1148G>A (p.Arg383His)

Gene: STK11 (serine/threonine kinase 11; plus strand). Cytogenetic location: 19p13.3.
Variant type: single nucleotide variant.
Coding change: c.1148G>A on transcript NM_000455.5 (MANE Select); coding-DNA position 1148, G replaced by A.
Protein change: p.Arg383His; replaces arginine 383 with histidine.
Molecular consequence: missense variant.
Genome position (GRCh38, 1-based): chr19:1,226,493, G>A. VCF-style: chr19-1226493-G-A. GRCh37 (hg19) VCF-style: chr19-1226492-G-A.
Other names: p.R383H:CGC>CAC; short protein forms R383H.
Identifiers: ClinVar variation 182918 (VCV000182918.32), dbSNP rs730881990, ClinGen allele CA022363.